The following is an entry in ClinVar:

ClinVar aggregate classification (germline): Uncertain significance (1 of 4 stars; one submission).

Submission:

GeneDx
Classification: Uncertain significance. Last evaluated: 2022-06-03. Review status: criteria provided, single submitter. Criteria: GeneDx Variant Classification Process June 2021. Collection method: clinical testing. Allele origin: germline. Affected: yes.
Comment: Not observed at significant frequency in large population cohorts (gnomAD); In silico analysis supports that this missense variant does not alter protein structure/function; Has not been previously published as pathogenic or benign to our knowledge

NM_197968.4(ZMYM2):c.2518A>G (p.Thr840Ala)

Gene: ZMYM2 (zinc finger MYM-type containing 2; plus strand). Cytogenetic location: 13q12.11.
Variant type: single nucleotide variant.
Coding change: c.2518A>G on transcript NM_197968.4 (MANE Select); coding-DNA position 2518, A replaced by G.
Protein change: p.Thr840Ala; replaces threonine 840 with alanine.
Molecular consequence: missense variant. On other transcripts: non-coding transcript variant (1).
Genome position (GRCh38, 1-based): chr13:20,058,599, A>G. VCF-style: chr13-20058599-A-G. GRCh37 (hg19) VCF-style: chr13-20632739-A-G.
Other names: c.2518A>G, p.Thr840Ala (NM_001190964.4, NM_001190965.4, NM_001353157.2 and 5 more transcripts); c.2323A>G, p.Thr775Ala (NM_001353161.3); c.2257A>G, p.Thr753Ala (NM_001353163.2); short protein forms T753A, T775A, T840A.
Identifiers: ClinVar variation 1802060 (VCV001802060.1), dbSNP rs2140726898, ClinGen allele CA387461791.